The following is an entry in ClinVar:

NM_000222.3(KIT):c.469C>G (p.Pro157Ala)

Gene: KIT (KIT proto-oncogene, receptor tyrosine kinase; plus strand). Cytogenetic location: 4q12.
Variant type: single nucleotide variant.
Coding change: c.469C>G on transcript NM_000222.3 (MANE Select); coding-DNA position 469, C replaced by G.
Protein change: p.Pro157Ala; replaces proline 157 with alanine.
Molecular consequence: missense variant.
Genome position (GRCh38, 1-based): chr4:54,698,415, C>G. VCF-style: chr4-54698415-C-G. GRCh37 (hg19) VCF-style: chr4-55564581-C-G.
Other names: c.469C>G, p.Pro157Ala (NM_001093772.2, NM_001385284.1, NM_001385285.1 and 4 more transcripts); short protein forms P157A.
Identifiers: ClinVar variation 661184 (VCV000661184.10), dbSNP rs1276125047, ClinGen allele CA356897652.

ClinVar aggregate classification (germline): Uncertain significance. Review status: criteria provided, multiple submitters, no conflicts (2 of 4 stars). 2 submissions from 2 submitters: Uncertain significance (2). Last evaluated 2026-04-04.

Conditions:
Hereditary cancer-predisposing syndrome. Also called: Neoplastic Syndromes, Hereditary; Tumor predisposition; Hereditary Cancer Syndrome; Hereditary neoplastic syndrome. Identifiers: Orphanet 140162, MedGen C0027672, MeSH D009386, MONDO:0015356.
Gastrointestinal stromal tumor. Also called: Gastrointestinal stromal tumor, somatic; Gastrointestinal stroma tumor. Identifiers: Orphanet 44890, MedGen C0238198, MeSH D046152, MONDO:0011719, OMIM 606764, HP:0100723.

Submissions (2):

Ambry Genetics
Classification: Uncertain significance for Hereditary cancer-predisposing syndrome. Last evaluated: 2026-04-04. Review status: criteria provided, single submitter. Criteria: Ambry Variant Classification Scheme 2023. Collection method: clinical testing. Allele origin: germline.
Comment: The p.P157A variant (also known as c.469C>G), located in coding exon 3 of the KIT gene, results from a C to G substitution at nucleotide position 469. The proline at codon 157 is replaced by alanine, an amino acid with highly similar properties. This amino acid position is conserved. In addition, the in silico prediction for this alteration is inconclusive. Based on the available evidence, the clinical significance of this variant remains unclear.

Labcorp Genetics (formerly Invitae), Labcorp
Classification: Uncertain significance for Gastrointestinal stromal tumor. Last evaluated: 2018-11-29. Review status: criteria provided, single submitter. Criteria: Invitae Variant Classification Sherloc (09022015). Collection method: clinical testing. Allele origin: germline.
Comment: Algorithms developed to predict the effect of missense changes on protein structure and function are either unavailable or do not agree on the potential impact of this missense change (SIFT: "Deleterious"; PolyPhen-2: "Benign"; Align-GVGD: "Class C25"). In summary, the available evidence is currently insufficient to determine the role of this variant in disease. Therefore, it has been classified as a Variant of Uncertain Significance. This sequence change replaces proline with alanine at codon 157 of the KIT protein (p.Pro157Ala). The proline residue is highly conserved and there is a small physicochemical difference between proline and alanine. This variant is not present in population databases (ExAC no frequency). This variant has not been reported in the literature in individuals with KIT-related conditions.